The following is an entry in ClinVar:

NM_000755.5(CRAT):c.1328+5G>A

Gene: CRAT (carnitine O-acetyltransferase; minus strand). Cytogenetic location: 9q34.11.
Variant type: single nucleotide variant.
Coding change: c.1328+5G>A on transcript NM_000755.5 (MANE Select); 5 bases into the intron after coding-DNA position 1328, G replaced by A.
Molecular consequence: intron variant.
Genome position (GRCh38, 1-based): chr9:129,098,244, C>T on the plus strand (G>A on the coding strand, the complement: CRAT is on the minus strand). VCF-style: chr9-129098244-C-T. GRCh37 (hg19) VCF-style: chr9-131860523-C-T.
Other names: c.1208+5G>A (NM_001346549.2); c.1328+5G>A (NM_001346547.2); c.1265+5G>A (NM_001346548.2, NM_001257363.3, NM_004003.4); c.1331+5G>A (NM_001346546.2).
Identifiers: ClinVar variation 3710534 (VCV003710534.2).
Genomic context (GRCh38, chr9:129,098,244, plus strand): 5'-GCGGGCACCCCCTCCCCTGCCCCCAGGTCTCCTCCCTCCTCCATGGGTGGGCCACAGAGG[C>T]GCACCTGTAGTAGGCCAGCTGCAAAGCCATCTGGATGAAGGCATCTGGGCTTAGCTTCTC-3'

ClinVar aggregate classification (germline): Uncertain significance (1 of 4 stars; one submission).

Submission:

Labcorp Genetics (formerly Invitae), Labcorp
Classification: Uncertain significance. Last evaluated: 2024-12-05. Review status: criteria provided, single submitter. Criteria: Invitae Variant Classification Sherloc (09022015). Collection method: clinical testing. Allele origin: germline.
Comment: This sequence change falls in intron 10 of the CRAT gene. It does not directly change the encoded amino acid sequence of the CRAT protein. It affects a nucleotide within the consensus splice site. This variant is present in population databases (rs200145368, gnomAD 0.1%), and has an allele count higher than expected for a pathogenic variant. This variant has not been reported in the literature in individuals affected with CRAT-related conditions. Variants that disrupt the consensus splice site are a relatively common cause of aberrant splicing (PMID: 17576681, 9536098). Algorithms developed to predict the effect of sequence changes on RNA splicing suggest that this variant is not likely to affect RNA splicing. In summary, the available evidence is currently insufficient to determine the role of this variant in disease. Therefore, it has been classified as a Variant of Uncertain Significance.

Literature cited by the submitters: PubMed 17576681; PubMed 9536098.